The following is an entry in ClinVar:

NM_213655.5(WNK1):c.3385A>G (p.Ile1129Val)

Gene: WNK1 (WNK lysine deficient protein kinase 1; plus strand). Cytogenetic location: 12p13.33.
Variant type: single nucleotide variant.
Coding change: c.3385A>G on transcript NM_213655.5 (MANE Plus Clinical); coding-DNA position 3385, A replaced by G.
Protein change: p.Ile1129Val; replaces isoleucine 1129 with valine.
Molecular consequence: missense variant. On other transcripts: intron variant (2).
Genome position (GRCh38, 1-based): chr12:868,856, A>G. VCF-style: chr12-868856-A-G. GRCh37 (hg19) VCF-style: chr12-978022-A-G.
Other names: c.3130A>G, p.Ile1044Val (NM_001184985.2); c.2140-2409A>G (NM_018979.4, NM_014823.3); short protein forms I1044V, I1129V.
Identifiers: ClinVar variation 2926676 (VCV002926676.3), dbSNP rs919956872, ClinGen allele CA231499822.

ClinVar aggregate classification (germline): Uncertain significance (1 of 4 stars; one submission).

Conditions:
Neuropathy, hereditary sensory and autonomic, type 2A (HSAN2A). Also called: HSAN IIA; WNK1-Related HSAN2 (HSAN2A); ACROOSTEOLYSIS, GIACCAI TYPE; ACROOSTEOLYSIS, NEUROGENIC; MORVAN DISEASE; NEUROPATHY, CONGENITAL SENSORY. Identifiers: Orphanet 970, MedGen C2752089, MONDO:0024309, OMIM 201300.
Pseudohypoaldosteronism type 2C (PHA2C). Also called: Pseudohypoaldosteronism Type IIC. Identifiers: Orphanet 757, Orphanet 88940, MedGen C1840391, MONDO:0013778, OMIM 614492.

Submission:

Labcorp Genetics (formerly Invitae), Labcorp
Classification: Uncertain significance for Neuropathy, hereditary sensory and autonomic, type 2A; Pseudohypoaldosteronism type 2C. Last evaluated: 2023-03-14. Review status: criteria provided, single submitter. Criteria: Invitae Variant Classification Sherloc (09022015). Collection method: clinical testing. Allele origin: germline.
Comment: This sequence change replaces isoleucine, which is neutral and non-polar, with valine, which is neutral and non-polar, at codon 1129 of the WNK1 protein (p.Ile1129Val). This variant is not present in population databases (gnomAD no frequency). This variant has not been reported in the literature in individuals affected with WNK1-related conditions. Advanced modeling of protein sequence and biophysical properties (such as structural, functional, and spatial information, amino acid conservation, physicochemical variation, residue mobility, and thermodynamic stability) performed at Invitae indicates that this missense variant is not expected to disrupt WNK1 protein function. In summary, the available evidence is currently insufficient to determine the role of this variant in disease. Therefore, it has been classified as a Variant of Uncertain Significance.